The following is an entry in ClinVar:

NM_144666.3(DNHD1):c.2683C>T (p.Gln895Ter)

Gene: DNHD1 (dynein heavy chain domain 1; plus strand). Cytogenetic location: 11p15.4.
Variant type: single nucleotide variant.
Coding change: c.2683C>T on transcript NM_144666.3 (MANE Select); coding-DNA position 2683, C replaced by T.
Protein change: p.Gln895Ter; replaces glutamine 895 with a stop codon.
Molecular consequence: nonsense.
Genome position (GRCh38, 1-based): chr11:6,533,858, C>T. VCF-style: chr11-6533858-C-T. GRCh37 (hg19) VCF-style: chr11-6555088-C-T.
Other names: c.2683C>T (NM_144666.2); short protein forms Q895*.
Identifiers: ClinVar variation 806605 (VCV000806605.44), dbSNP rs929548279, ClinGen allele CA217303579.

ClinVar aggregate classification (germline): Conflicting classifications of pathogenicity. Review status: criteria provided, conflicting classifications (1 of 4 stars). 4 submissions from 4 submitters: Pathogenic (1); Uncertain significance (3). Last evaluated 2026-08-06.

Conditions:
DNHD1-related disorder. Also called: DNHD1-related condition.

Allele frequency attached by ClinVar (database versions not stated): gnomAD exomes 0.00020; gnomAD 0.00023 and 0.00024; TOPMed 0.00023.
gnomAD v4.1: 87 of 1,551,078 alleles (0.0056%); highest among the groups gnomAD compares: Admixed American, 0.16%; 1 homozygote.

Submissions (4):

OLLIN Analises Genomicas, OLLIN
Classification: Uncertain significance. Last evaluated: 2026-08-06. Review status: criteria provided, single submitter. Criteria: ACMG Guidelines 2015 PMID 25741868. Collection method: clinical testing. Allele origin: germline.
Comment: This nonsense variant, located in exon 14 (of 43), has been reported in ClinVar (accession VCV000806605.42) and in gnomAD with an allele frequency of 0.0056%. However, to our knowledge, it has not been reported in the scientific literature. This variant introduces a premature stop codon, which is predicted to result in either a truncated protein or degradation of the mRNA via nonsense-mediated decay (NMD). According to the currently available evidence, this variant has been classified as uncertain significance (PVS1).

PreventionGenetics, part of Exact Sciences
Classification: Uncertain significance for DNHD1-related condition. Last evaluated: 2023-06-06. Review status: criteria provided, single submitter. Criteria: ACMG Guidelines, 2015. Collection method: clinical testing. Allele origin: germline.
Comment: The DNHD1 c.2683C>T variant is predicted to result in premature protein termination (p.Gln895*). To our knowledge, this variant has not been reported in the literature. This variant is reported in 0.12% of alleles in individuals of Latino descent in gnomAD. Loss of function is not an established mechanism of DNHD1-related disease. Although we suspect that this variant may be pathogenic, at this time, the clinical significance of this variant is uncertain due to the absence of conclusive functional and genetic evidence.

Labcorp Genetics (formerly Invitae), Labcorp
Classification: Pathogenic. Last evaluated: 2022-06-28. Review status: criteria provided, single submitter. Criteria: Invitae Variant Classification Sherloc (09022015). Collection method: clinical testing. Allele origin: germline.
Comment: This sequence change creates a premature translational stop signal (p.Gln895*) in the DNHD1 gene. It is expected to result in an absent or disrupted protein product. Loss-of-function variants in DNHD1 are known to be pathogenic (PMID: 34932939). This variant is present in population databases (no rsID available, gnomAD 0.1%). This variant has not been reported in the literature in individuals affected with DNHD1-related conditions. ClinVar contains an entry for this variant (Variation ID: 806605). For these reasons, this variant has been classified as Pathogenic.

CeGaT Center for Human Genetics Tuebingen
Classification: Uncertain significance. Last evaluated: 2019-04-01. Review status: criteria provided, single submitter. Criteria: CeGaT Center For Human Genetics Tuebingen Variant Classification Criteria Version 2. Collection method: clinical testing. Allele origin: germline. Affected: yes. Observed: 1 variant allele.

Literature cited by the submitters: PubMed 34932939 (cited by Labcorp Genetics (formerly Invitae), Labcorp).